The following is an entry in ClinVar:

NM_000435.3(NOTCH3):c.6136C>T (p.Pro2046Ser)

Gene: NOTCH3 (notch receptor 3; minus strand). Cytogenetic location: 19p13.12.
Variant type: single nucleotide variant.
Coding change: c.6136C>T on transcript NM_000435.3 (MANE Select); coding-DNA position 6136, C replaced by T.
Protein change: p.Pro2046Ser; replaces proline 2046 with serine.
Molecular consequence: missense variant.
Genome position (GRCh38, 1-based): chr19:15,161,492, G>A on the plus strand (C>T on the coding strand, the complement: NOTCH3 is on the minus strand). VCF-style: chr19-15161492-G-A. GRCh37 (hg19) VCF-style: chr19-15272303-G-A.
Other names: short protein forms P2046S.
Identifiers: ClinVar variation 994841 (VCV000994841.3), dbSNP rs1354320725, ClinGen allele CA404490292.

ClinVar aggregate classification (germline): Uncertain significance. Review status: criteria provided, multiple submitters, no conflicts (2 of 4 stars). 2 submissions from 2 submitters: Uncertain significance (2). Last evaluated 2025-10-01.

Allele frequency attached by ClinVar (database versions not stated): TOPMed 0.00001; gnomAD 0.00003.
gnomAD v4.1: 9 of 1,586,100 alleles (0.00057%); highest among the groups gnomAD compares: Non-Finnish European, 0.00077%; no homozygotes.

Submissions (2):

Labcorp Genetics (formerly Invitae), Labcorp
Classification: Uncertain significance. Last evaluated: 2025-10-01. Review status: criteria provided, single submitter. Criteria: Invitae Variant Classification Sherloc (09022015). Collection method: clinical testing. Allele origin: germline.
Comment: This sequence change replaces proline, which is neutral and non-polar, with serine, which is neutral and polar, at codon 2046 of the NOTCH3 protein (p.Pro2046Ser). This variant is present in population databases (no rsID available, gnomAD 0.007%). This variant has not been reported in the literature in individuals affected with NOTCH3-related conditions. ClinVar contains an entry for this variant (Variation ID: 994841). Invitae Evidence Modeling of protein sequence and biophysical properties (such as structural, functional, and spatial information, amino acid conservation, physicochemical variation, residue mobility, and thermodynamic stability) indicates that this missense variant is not expected to disrupt NOTCH3 protein function with a negative predictive value of 95%. In summary, the available evidence is currently insufficient to determine the role of this variant in disease. Therefore, it has been classified as a Variant of Uncertain Significance.

Athena Diagnostics
Classification: Uncertain significance. Last evaluated: 2019-12-30. Review status: criteria provided, single submitter. Criteria: Athena Diagnostics Criteria. Collection method: clinical testing. Allele origin: unknown.